The following is an entry in ClinVar:

NM_000719.7(CACNA1C):c.4156G>T (p.Ala1386Ser)

Gene: CACNA1C (calcium voltage-gated channel subunit alpha1 C; plus strand). Cytogenetic location: 12p13.33.
Variant type: single nucleotide variant.
Coding change: c.4156G>T on transcript NM_000719.7 (MANE Select); coding-DNA position 4156, G replaced by T.
Protein change: p.Ala1386Ser; replaces alanine 1386 with serine.
Molecular consequence: missense variant.
Genome position (GRCh38, 1-based): chr12:2,655,162, G>T. VCF-style: chr12-2655162-G-T. GRCh37 (hg19) VCF-style: chr12-2764328-G-T.
Other names: c.4300G>T, p.Ala1434Ser (NM_001129827.2, NM_199460.4); c.4222G>T, p.Ala1408Ser (NM_001129829.2); c.4156G>T, p.Ala1386Ser (NM_001129830.3, NM_001129833.2, NM_001129834.2 and 7 more transcripts); c.4240G>T, p.Ala1414Ser (NM_001129831.2); c.4216G>T, p.Ala1406Ser (NM_001129832.2); c.4207G>T, p.Ala1403Ser (NM_001129836.2); c.4123G>T, p.Ala1375Ser (NM_001129837.2, NM_001129838.2, NM_001129846.2 and 1 more transcripts); c.4117G>T, p.Ala1373Ser (NM_001129839.2); and 1 more; short protein forms A1375S, A1403S, A1406S, A1383S, A1408S, A1373S, A1386S, A1414S.
Identifiers: ClinVar variation 4217776 (VCV004217776.1).

ClinVar aggregate classification (germline): Uncertain significance (1 of 4 stars; one submission).

Conditions:
Cardiovascular phenotype. Identifiers: MedGen CN230736.

gnomAD v4.1: 2 of 1,611,650 alleles (0.00012%); highest among the groups gnomAD compares: African/African-American, 0.0027%; no homozygotes.

Submission:

Ambry Genetics
Classification: Uncertain significance for Cardiovascular phenotype. Last evaluated: 2025-08-18. Review status: criteria provided, single submitter. Criteria: Ambry Variant Classification Scheme 2023. Collection method: clinical testing. Allele origin: germline.
Comment: The p.A1386S variant (also known as c.4156G>T), located in coding exon 34 of the CACNA1C gene, results from a G to T substitution at nucleotide position 4156. The alanine at codon 1386 is replaced by serine, an amino acid with similar properties. This amino acid position is highly conserved in available vertebrate species. In addition, this alteration is predicted to be deleterious by in silico analysis. Based on the available evidence, the clinical significance of this variant remains unclear.